The following is an entry in ClinVar:

ClinVar aggregate classification (germline): Uncertain significance (1 of 4 stars; one submission).

Conditions:
Nephronophthisis. Also called: Juvenile Nephronophthisis. Identifiers: Orphanet 655, MedGen C0687120, MONDO:0019005, HP:0000090.

Allele frequency attached by ClinVar (database versions not stated): gnomAD exomes below 0.00001; TOPMed below 0.00001; gnomAD 0.00001.

Submission:

Labcorp Genetics (formerly Invitae), Labcorp
Classification: Uncertain significance for Nephronophthisis. Last evaluated: 2023-08-14. Review status: criteria provided, single submitter. Criteria: Invitae Variant Classification Sherloc (09022015). Collection method: clinical testing. Allele origin: germline.
Comment: This variant has not been reported in the literature in individuals affected with INVS-related conditions. This variant is not present in population databases (gnomAD no frequency). This sequence change replaces threonine, which is neutral and polar, with isoleucine, which is neutral and non-polar, at codon 50 of the INVS protein (p.Thr50Ile). In summary, the available evidence is currently insufficient to determine the role of this variant in disease. Therefore, it has been classified as a Variant of Uncertain Significance. An algorithm developed to predict the effect of missense changes on protein structure and function (PolyPhen-2) suggests that this variant is likely to be disruptive.

NM_014425.5(INVS):c.149C>T (p.Thr50Ile)

Gene: INVS (inversin; plus strand). Cytogenetic location: 9q31.1.
Variant type: single nucleotide variant.
Coding change: c.149C>T on transcript NM_014425.5 (MANE Select); coding-DNA position 149, C replaced by T.
Protein change: p.Thr50Ile; replaces threonine 50 with isoleucine.
Molecular consequence: missense variant. On other transcripts: 5 prime UTR variant (2), non-coding transcript variant (1).
Genome position (GRCh38, 1-based): chr9:100,126,425, C>T. VCF-style: chr9-100126425-C-T. GRCh37 (hg19) VCF-style: chr9-102888707-C-T.
Other names: c.-228C>T (NM_001318381.2); c.-841C>T (NM_001318382.2); short protein forms T50I.
Identifiers: ClinVar variation 2911448 (VCV002911448.3), dbSNP rs990581492, ClinGen allele CA197174550.